The following is an entry in ClinVar:

NM_004004.6(GJB2):c.528C>A (p.Asn176Lys)

Gene: GJB2 (gap junction protein beta 2; minus strand). Cytogenetic location: 13q12.11.
Variant type: single nucleotide variant.
Coding change: c.528C>A on transcript NM_004004.6 (MANE Select); coding-DNA position 528, C replaced by A.
Protein change: p.Asn176Lys; replaces asparagine 176 with lysine.
Molecular consequence: missense variant.
Genome position (GRCh38, 1-based): chr13:20,189,054, G>T on the plus strand (C>A on the coding strand, the complement: GJB2 is on the minus strand). VCF-style: chr13-20189054-G-T. GRCh37 (hg19) VCF-style: chr13-20763193-G-T.
Other names: short protein forms N176K.
Identifiers: ClinVar variation 1802030 (VCV001802030.1), dbSNP rs2500249773, ClinGen allele CA387460963.
Genomic context (GRCh38, chr13:20,189,054, plus strand): 5'-AATCATGAACACTGTGAAGACAGTCTTCTCCGTGGGCCGGGACACAAAGCAGTCCACAGT[G>T]TTGGGACAAGGCCAGGCGTTGCACTTCACCAGCCGCTGCATGGAGAAGCCGTCGTACATG-3'
Protein context (NP_003995.2, residues 166-186): LVKCNAWPCP[Asn176Lys]TVDCFVSRPT

ClinVar aggregate classification (germline): Uncertain significance (1 of 4 stars; one submission).

Submission:

GeneDx
Classification: Uncertain significance. Last evaluated: 2022-06-23. Review status: criteria provided, single submitter. Criteria: GeneDx Variant Classification Process June 2021. Collection method: clinical testing. Allele origin: germline. Affected: yes.
Comment: Not observed at significant frequency in large population cohorts (gnomAD); In silico analysis supports that this missense variant has a deleterious effect on protein structure/function; Has not been previously published as pathogenic or benign to our knowledge; This variant is associated with the following publications: (PMID: 30431684)